The following is an entry in ClinVar:

NM_000283.4(PDE6B):c.704G>A (p.Arg235His)

Gene: PDE6B (phosphodiesterase 6B; plus strand). Cytogenetic location: 4p16.3.
Variant type: single nucleotide variant.
Coding change: c.704G>A on transcript NM_000283.4 (MANE Select); coding-DNA position 704, G replaced by A.
Protein change: p.Arg235His; replaces arginine 235 with histidine.
Molecular consequence: missense variant.
Genome position (GRCh38, 1-based): chr4:635,962, G>A. VCF-style: chr4-635962-G-A. GRCh37 (hg19) VCF-style: chr4-629751-G-A.
Other names: c.704G>A, p.Arg235His (NM_001145291.2); short protein forms R235H.
Identifiers: ClinVar variation 960440 (VCV000960440.9), dbSNP rs757918699, ClinGen allele CA2794062.
Genomic context (GRCh38, chr4:635,962, plus strand): 5'-TTGCCACGTTGTACCTGAAGATCTATCACCTGAGCTACCTCCACAACTGCGAGACGCGCC[G>A]CGGCCAGGTACCCACACGCTGAGCACAGCTCTGCCCACGAGGGCCAGGGTCCCTCCGCCC-3'
Protein context (NP_000274.3, residues 225-245): LSYLHNCETR[Arg235His]GQVLLWSANK

ClinVar aggregate classification (germline): Uncertain significance. Review status: criteria provided, multiple submitters, no conflicts (2 of 4 stars). 3 submissions from 3 submitters: Uncertain significance (3). Last evaluated 2026-01-12.

Conditions:
Retinal dystrophy. Also called: Inherited retinal dystrophy. Identifiers: Orphanet 71862, MedGen C0854723, MeSH D058499, MONDO:0019118, HP:0000556.

Allele frequency attached by ClinVar (database versions not stated): gnomAD 0.00003; gnomAD exomes 0.00003 and 0.00005; TOPMed 0.00003; ExAC 0.00004.
gnomAD v4.1: 53 of 1,595,242 alleles (0.0033%); highest among the groups gnomAD compares: South Asian, 0.0099%; no homozygotes.

Submissions (3):

Labcorp Genetics (formerly Invitae), Labcorp
Classification: Uncertain significance. Last evaluated: 2026-01-12. Review status: criteria provided, single submitter. Criteria: Invitae Variant Classification Sherloc (09022015). Collection method: clinical testing. Allele origin: germline.
Comment: This sequence change replaces arginine, which is basic and polar, with histidine, which is basic and polar, at codon 235 of the PDE6B protein (p.Arg235His). This variant is present in population databases (rs757918699, gnomAD 0.02%). This missense change has been observed in individual(s) with retinitis pigmentosa (PMID: 24265693). ClinVar contains an entry for this variant (Variation ID: 960440). Invitae Evidence Modeling of protein sequence and biophysical properties (such as structural, functional, and spatial information, amino acid conservation, physicochemical variation, residue mobility, and thermodynamic stability) has been performed for this missense variant. However, the output from this modeling did not meet the statistical confidence thresholds required to predict the impact of this variant on PDE6B protein function. In summary, the available evidence is currently insufficient to determine the role of this variant in disease. Therefore, it has been classified as a Variant of Uncertain Significance.

Blueprint Genetics
Classification: Uncertain significance. Last evaluated: 2024-08-07. Review status: criteria provided, single submitter. Criteria: ACMG Guidelines, 2015. Collection method: clinical testing. Allele origin: germline.

Institute of Human Genetics, Univ. Regensburg, Univ. Regensburg
Classification: Uncertain significance for Retinal dystrophy. Last evaluated: 2020-01-01. Review status: criteria provided, single submitter. Criteria: ACMG Guidelines, 2015. Collection method: clinical testing. Allele origin: germline. Affected: yes.

Literature cited by the submitters: PubMed 24265693 (cited by Labcorp Genetics (formerly Invitae), Labcorp and Institute of Human Genetics, Univ. Regensburg, Univ. Regensburg).